The following is an entry in ClinVar:

ClinVar aggregate classification (germline): Likely benign (1 of 4 stars; one submission).

Allele frequency attached by ClinVar (database versions not stated): gnomAD 0.00001; gnomAD exomes 0.00002; TOPMed 0.00003.

Submission:

CeGaT Center for Human Genetics Tuebingen
Classification: Likely benign. Last evaluated: 2022-03-01. Review status: criteria provided, single submitter. Criteria: CeGaT Center For Human Genetics Tuebingen Variant Classification Criteria Version 2. Collection method: clinical testing. Allele origin: germline. Affected: yes. Observed: 1 variant allele.
Comment: ZYX: BP4, BP7

NM_003461.5(ZYX):c.714C>T (p.Val238=)

Gene: ZYX (zyxin; plus strand). Cytogenetic location: 7q34.
Variant type: single nucleotide variant.
Coding change: c.714C>T on transcript NM_003461.5 (MANE Select); coding-DNA position 714, C replaced by T.
Protein change: p.Val238=; no amino-acid change (valine 238 retained).
Molecular consequence: synonymous variant.
Genome position (GRCh38, 1-based): chr7:143,383,013, C>T. VCF-style: chr7-143383013-C-T. GRCh37 (hg19) VCF-style: chr7-143080106-C-T.
Other names: c.714C>T, p.Val238= (NM_001010972.2); c.621C>T, p.Val207= (NM_001362783.2).
Identifiers: ClinVar variation 2658119 (VCV002658119.24), dbSNP rs1030140570, ClinGen allele CA168258655.